The following is an entry in ClinVar:

NM_018417.6(ADCY10):c.1560T>C (p.Tyr520=)

Genes: ADCY10 (adenylate cyclase 10; minus strand), DCAF6 (DDB1 and CUL4 associated factor 6; plus strand). Cytogenetic location: 1q24.2.
Variant type: single nucleotide variant.
Coding change: c.1560T>C on transcript NM_018417.6 (MANE Select); coding-DNA position 1560, T replaced by C.
Protein change: p.Tyr520=; no amino-acid change (tyrosine 520 retained).
Molecular consequence: synonymous variant.
Genome position (GRCh38, 1-based): chr1:167,870,313, A>G on the plus strand (T>C on the coding strand, the complement: ADCY10 is on the minus strand). VCF-style: chr1-167870313-A-G. GRCh37 (hg19) VCF-style: chr1-167839551-A-G.
Other names: c.1101T>C, p.Tyr367= (NM_001167749.3); c.1284T>C, p.Tyr428= (NM_001297772.2); c.1560T>C (NM_018417.5).
Identifiers: ClinVar variation 4754228 (VCV004754228.2).
Genomic context (GRCh38, chr1:167,870,313, plus strand): 5'-TCACCTGTGATTCTTACCTTGGGCCAGGTACTCAATTTTCATAAGTATCTGGCTTTTTCC[A>G]TATCCTGGTAATCCCTCATACATTAAGACTTGGCTGCTGTTAGATATCAAAAATTTCTTC-3'
Protein context (NP_060887.2, residues 510-530): QVLMYEGLPG[Tyr520=]GKSQILMKIE

ClinVar aggregate classification (germline): Likely benign. Review status: criteria provided, multiple submitters, no conflicts (2 of 4 stars). 2 submissions from 2 submitters: Likely benign (2). Last evaluated 2025-11-17.

Conditions:
ADCY10-related disorder. Also called: ADCY10-related condition.

gnomAD v4.1: 20 of 1,614,036 alleles (0.0012%); highest among the groups gnomAD compares: Non-Finnish European, 0.0017%; no homozygotes.

Submissions (2):

Labcorp Genetics (formerly Invitae), Labcorp
Classification: Likely benign. Last evaluated: 2025-11-17. Review status: criteria provided, single submitter. Criteria: Invitae Variant Classification Sherloc (09022015). Collection method: clinical testing. Allele origin: germline.

PreventionGenetics, part of Exact Sciences
Classification: Likely benign for ADCY10-related condition. Last evaluated: 2025-11-11. Review status: criteria provided, single submitter. Criteria: ACMG Guidelines, 2015. Collection method: clinical testing. Allele origin: germline.
Comment: This variant is classified as likely benign based on ACMG/AMP sequence variant interpretation guidelines (Richards et al. 2015 PMID: 25741868, with internal and published modifications).